The following is an entry in ClinVar:

ClinVar aggregate classification (germline): Conflicting classifications of pathogenicity. Review status: criteria provided, conflicting classifications (1 of 4 stars). 2 submissions from 2 submitters: Uncertain significance (1); Likely benign (1). Last evaluated 2026-06-01.

Allele frequency attached by ClinVar (database versions not stated): gnomAD 0.00004; TOPMed 0.00004; ExAC 0.00005; gnomAD exomes 0.00007.
gnomAD v4.1: 108 of 1,549,440 alleles (0.007%); highest among the groups gnomAD compares: Non-Finnish European, 0.0077%; 5 homozygotes.

Submissions (2):

CeGaT Center for Human Genetics Tuebingen
Classification: Likely benign. Last evaluated: 2026-06-01. Review status: criteria provided, single submitter. Criteria: CeGaT Center For Human Genetics Tuebingen Variant Classification Criteria Version 2. Collection method: clinical testing. Allele origin: germline. Affected: yes. Observed: 2 variant alleles.
Comment: GTF2IRD1: BP4

Ambry Genetics
Classification: Uncertain significance. Last evaluated: 2023-10-20. Review status: criteria provided, single submitter. Criteria: Ambry Variant Classification Scheme 2023. Collection method: clinical testing. Allele origin: germline.

NM_005685.4(GTF2IRD1):c.266-51G>A

Gene: GTF2IRD1 (GTF2I repeat domain containing 1; plus strand). Cytogenetic location: 7q11.23.
Variant type: single nucleotide variant.
Coding change: c.266-51G>A on transcript NM_005685.4 (MANE Select); 51 bases into the intron before coding-DNA position 266, G replaced by A.
Molecular consequence: intron variant. On other transcripts: missense variant (1).
Genome position (GRCh38, 1-based): chr7:74,515,390, G>A. VCF-style: chr7-74515390-G-A. GRCh37 (hg19) VCF-style: chr7-73929720-G-A.
Other names: c.311G>A, p.Arg104Gln (NM_001199207.2); c.266-51G>A (NM_016328.3, NM_001410888.1); short protein forms R104Q.
Identifiers: ClinVar variation 3103113 (VCV003103113.7), dbSNP rs782585415, ClinGen allele CA4296453.